The following is an entry in ClinVar:

NM_032119.4(ADGRV1):c.13803A>C (p.Glu4601Asp)

Gene: ADGRV1 (adhesion G protein-coupled receptor V1; plus strand). Cytogenetic location: 5q14.3.
Variant type: single nucleotide variant.
Coding change: c.13803A>C on transcript NM_032119.4 (MANE Select); coding-DNA position 13803, A replaced by C.
Protein change: p.Glu4601Asp; replaces glutamic acid 4601 with aspartic acid.
Molecular consequence: missense variant. On other transcripts: non-coding transcript variant (1).
Genome position (GRCh38, 1-based): chr5:90,788,220, A>C. VCF-style: chr5-90788220-A-C. GRCh37 (hg19) VCF-style: chr5-90084037-A-C.
Other names: short protein forms E4601D.
Identifiers: ClinVar variation 1957602 (VCV001957602.5), dbSNP rs771668754, ClinGen allele CA360396758.

ClinVar aggregate classification (germline): Uncertain significance (1 of 4 stars; one submission).

Submission:

Labcorp Genetics (formerly Invitae), Labcorp
Classification: Uncertain significance. Last evaluated: 2021-12-20. Review status: criteria provided, single submitter. Criteria: Invitae Variant Classification Sherloc (09022015). Collection method: clinical testing. Allele origin: germline.
Comment: In summary, the available evidence is currently insufficient to determine the role of this variant in disease. Therefore, it has been classified as a Variant of Uncertain Significance. Algorithms developed to predict the effect of missense changes on protein structure and function output the following: SIFT: "Tolerated"; PolyPhen-2: "Possibly Damaging"; Align-GVGD: "Class C0". The aspartic acid amino acid residue is found in multiple mammalian species, which suggests that this missense change does not adversely affect protein function. This variant has not been reported in the literature in individuals affected with ADGRV1-related conditions. This variant is not present in population databases (gnomAD no frequency). This sequence change replaces glutamic acid, which is acidic and polar, with aspartic acid, which is acidic and polar, at codon 4601 of the ADGRV1 protein (p.Glu4601Asp).